The following is an entry in ClinVar:

ClinVar aggregate classification (germline): Uncertain significance (1 of 4 stars; one submission).

gnomAD v4.1: 2 of 1,614,140 alleles (0.00012%); highest among the groups gnomAD compares: Admixed American, 0.0033%; no homozygotes.

Submission:

GeneDx
Classification: Uncertain significance. Last evaluated: 2017-05-05. Review status: criteria provided, single submitter. Criteria: GeneDx Variant Classification (06012015). Collection method: clinical testing. Allele origin: germline. Affected: yes.
Comment: The E1488Q variant in the NOTCH2 gene has not been reported previously as a pathogenic variant, nor as a benign variant, to our knowledge. The E1488Q variant is not observed in large population cohorts (Lek et al., 2016; 1000 Genomes Consortium et al., 2015; Exome Variant Server). The E1488Q variant is a semi-conservative amino acid substitution, which may impact secondary protein structure as these residues differ in some properties. This substitution occurs at a position that is conserved in mammals. In silico analysis is inconsistent in its predictions as to whether or not the variant is damaging to the protein structure/function. We interpret E1488Q as a variant of uncertain significance.

NM_024408.4(NOTCH2):c.4462G>C (p.Glu1488Gln)

Gene: NOTCH2 (notch receptor 2; minus strand). Cytogenetic location: 1p12.
Variant type: single nucleotide variant.
Coding change: c.4462G>C on transcript NM_024408.4 (MANE Select); coding-DNA position 4462, G replaced by C.
Protein change: p.Glu1488Gln; replaces glutamic acid 1488 with glutamine.
Molecular consequence: missense variant.
Genome position (GRCh38, 1-based): chr1:119,925,354, C>G on the plus strand (G>C on the coding strand, the complement: NOTCH2 is on the minus strand). VCF-style: chr1-119925354-C-G. GRCh37 (hg19) VCF-style: chr1-120467977-C-G.
Other names: short protein forms E1488Q.
Identifiers: ClinVar variation 429313 (VCV000429313.2), dbSNP rs1131691315, ClinGen allele CA341889796.